The following is an entry in ClinVar:

ClinVar aggregate classification (germline): Benign/Likely benign. Review status: criteria provided, multiple submitters, no conflicts (2 of 4 stars). 2 submissions from 2 submitters: Benign (1); Likely benign (1). Last evaluated 2026-08-01.

Allele frequency attached by ClinVar (database versions not stated): TOPMed 0.00012; gnomAD 0.00039; gnomAD exomes 0.00068; 1000 Genomes Project 0.00180; 1000 Genomes Project 30x 0.00187; ExAC 0.00572.
gnomAD v4.1: 1,016 of 1,565,350 alleles (0.065%); highest among the groups gnomAD compares: South Asian, 1.1%; 12 homozygotes.

Submissions (2):

CeGaT Center for Human Genetics Tuebingen
Classification: Benign. Last evaluated: 2026-08-01. Review status: criteria provided, single submitter. Criteria: CeGaT Center For Human Genetics Tuebingen Variant Classification Criteria Version 2. Collection method: clinical testing. Allele origin: germline. Affected: yes. Observed: 2 variant alleles.
Comment: ABCA2: BP4, BP7, BS1, BS2

Blueprint Genetics
Classification: Likely benign. Last evaluated: 2024-11-11. Review status: criteria provided, single submitter. Criteria: ACMG Guidelines, 2015. Collection method: clinical testing. Allele origin: germline.

NM_001606.5(ABCA2):c.3678C>T (p.Ala1226=)

Gene: ABCA2 (ATP binding cassette subfamily A member 2; minus strand). Cytogenetic location: 9q34.3.
Variant type: single nucleotide variant.
Coding change: c.3678C>T on transcript NM_001606.5 (MANE Select); coding-DNA position 3678, C replaced by T.
Protein change: p.Ala1226=; no amino-acid change (alanine 1226 retained).
Molecular consequence: synonymous variant.
Genome position (GRCh38, 1-based): chr9:137,015,433, G>A on the plus strand (C>T on the coding strand, the complement: ABCA2 is on the minus strand). VCF-style: chr9-137015433-G-A. GRCh37 (hg19) VCF-style: chr9-139909885-G-A.
Other names: c.3675C>T, p.Ala1225= (NM_001411042.1); c.3768C>T, p.Ala1256= (NM_212533.3).
Identifiers: ClinVar variation 3025271 (VCV003025271.23), dbSNP rs373638582, ClinGen allele CA5354700.